The following is an entry in ClinVar:

ClinVar aggregate classification (germline): Uncertain significance (1 of 4 stars; one submission).

Conditions:
HYPERHOMOCYSTEINEMIA, THROMBOTIC, CBS-RELATED. Identifiers: MedGen C3150344, OMIM 236200.

Submission:

Labcorp Genetics (formerly Invitae), Labcorp
Classification: Uncertain significance for HYPERHOMOCYSTEINEMIA, THROMBOTIC, CBS-RELATED. Last evaluated: 2022-05-24. Review status: criteria provided, single submitter. Criteria: Invitae Variant Classification Sherloc (09022015). Collection method: clinical testing. Allele origin: germline.
Comment: Algorithms developed to predict the effect of sequence changes on RNA splicing suggest that this variant may disrupt the consensus splice site. This variant has not been reported in the literature in individuals affected with CBS-related conditions. This variant is not present in population databases (gnomAD no frequency). This sequence change falls in intron 8 of the CBS gene. It does not directly change the encoded amino acid sequence of the CBS protein. In summary, the available evidence is currently insufficient to determine the role of this variant in disease. Therefore, it has been classified as a Variant of Uncertain Significance.

NM_000071.3(CBS):c.737-10C>A

Gene: CBS (cystathionine beta-synthase; minus strand). Cytogenetic location: 21q22.3.
Variant type: single nucleotide variant.
Coding change: c.737-10C>A on transcript NM_000071.3 (MANE Select); 10 bases into the intron before coding-DNA position 737, C replaced by A.
Molecular consequence: intron variant.
Genome position (GRCh38, 1-based): chr21:43,064,001, G>T on the plus strand (C>A on the coding strand, the complement: CBS is on the minus strand). VCF-style: chr21-43064001-G-T. GRCh37 (hg19) VCF-style: chr21-44484111-G-T.
Other names: c.737-10C>A (NM_001320298.2, NM_001178009.3, NM_001178008.3); c.422-10C>A (NM_001321072.1).
Identifiers: ClinVar variation 2130084 (VCV002130084.4), dbSNP rs546751042, ClinGen allele CA2580099027.